The following is an entry in ClinVar:

ClinVar aggregate classification (germline): Uncertain significance (1 of 4 stars; one submission).

Allele frequency attached by ClinVar (database versions not stated): TOPMed below 0.00001.

Submission:

Labcorp Genetics (formerly Invitae), Labcorp
Classification: Uncertain significance. Last evaluated: 2024-11-11. Review status: criteria provided, single submitter. Criteria: Invitae Variant Classification Sherloc (09022015). Collection method: clinical testing. Allele origin: germline.
Comment: This sequence change replaces valine, which is neutral and non-polar, with leucine, which is neutral and non-polar, at codon 5424 of the ADGRV1 protein (p.Val5424Leu). This variant is not present in population databases (gnomAD no frequency). This variant has not been reported in the literature in individuals affected with ADGRV1-related conditions. ClinVar contains an entry for this variant (Variation ID: 2066675). Invitae Evidence Modeling of protein sequence and biophysical properties (such as structural, functional, and spatial information, amino acid conservation, physicochemical variation, residue mobility, and thermodynamic stability) indicates that this missense variant is not expected to disrupt ADGRV1 protein function with a negative predictive value of 95%. In summary, the available evidence is currently insufficient to determine the role of this variant in disease. Therefore, it has been classified as a Variant of Uncertain Significance.

NM_032119.4(ADGRV1):c.16270G>C (p.Val5424Leu)

Gene: ADGRV1 (adhesion G protein-coupled receptor V1; plus strand). Cytogenetic location: 5q14.3.
Variant type: single nucleotide variant.
Coding change: c.16270G>C on transcript NM_032119.4 (MANE Select); coding-DNA position 16270, G replaced by C.
Protein change: p.Val5424Leu; replaces valine 5424 with leucine.
Molecular consequence: missense variant. On other transcripts: non-coding transcript variant (1).
Genome position (GRCh38, 1-based): chr5:90,823,498, G>C. VCF-style: chr5-90823498-G-C. GRCh37 (hg19) VCF-style: chr5-90119315-G-C.
Other names: short protein forms V5424L.
Identifiers: ClinVar variation 2066675 (VCV002066675.4), dbSNP rs1319317043, ClinGen allele CA360425585.